The following is an entry in ClinVar:

NM_000262.3(NAGA):c.1054del (p.His352fs)

Gene: NAGA (alpha-N-acetylgalactosaminidase; minus strand). Cytogenetic location: 22q13.2.
Variant type: Deletion.
Coding change: c.1054del on transcript NM_000262.3 (MANE Select); coding-DNA position 1054, one base deleted (C; older notation c.1054delC).
Protein change: p.His352fs; shifts the reading frame from histidine 352.
Molecular consequence: frameshift variant.
Genome position (GRCh38, 1-based): chr22:42,060,971, G deleted on the plus strand (C on the coding strand, the reverse complement: NAGA is on the minus strand); the first of 2 consecutive G bases (chr22:42,060,971-42,060,972); deleting either gives the same sequence. VCF-style (leftmost placement, unchanged base first): chr22-42060970-TG-T. GRCh37 (hg19) VCF-style: chr22-42456974-TG-T.
Other names: c.1054del, p.His352fs (NM_001362848.1, NM_001362850.1); short protein forms H352fs.
Identifiers: ClinVar variation 5004185 (VCV005004185.1).

ClinVar aggregate classification (germline): Uncertain significance (1 of 4 stars; one submission).

Conditions:
Alpha-N-acetylgalactosaminidase deficiency. Identifiers: Orphanet 3137, MedGen C5848084, MONDO:0017779.

Submission:

Myriad Genetics, Inc.
Classification: Uncertain significance for Alpha-N-acetylgalactosaminidase deficiency. Last evaluated: 2025-09-23. Review status: criteria provided, single submitter. Criteria: Myriad Autosomal Dominant, Autosomal Recessive and X-Linked Classification Criteria (2023). Collection method: clinical testing. Allele origin: unknown.
Comment: NM_000262.2(NAGA):c.1054delC(H352Tfs*7) is a frameshift variant classified as a variant of uncertain significance in the context of NAGA-related disorders. H352Tfs*7 has not been observed in cases with relevant disease. Relevant functional assessments of this variant are not available in the literature. H352Tfs*7 has not been observed in referenced population frequency databases. In summary, there is insufficient evidence to classify NM_000262.2(NAGA):c.1054delC(H352Tfs*7) as pathogenic or benign. Please note: this variant was assessed in the context of healthy population screening.